The following is an entry in ClinVar:

NM_002471.4(MYH6):c.4048G>A (p.Glu1350Lys)

Gene: MYH6 (myosin heavy chain 6; minus strand). Cytogenetic location: 14q11.2.
Variant type: single nucleotide variant.
Coding change: c.4048G>A on transcript NM_002471.4 (MANE Select); coding-DNA position 4048, G replaced by A.
Protein change: p.Glu1350Lys; replaces glutamic acid 1350 with lysine.
Molecular consequence: missense variant.
Genome position (GRCh38, 1-based): chr14:23,388,986, C>T on the plus strand (G>A on the coding strand, the complement: MYH6 is on the minus strand). VCF-style: chr14-23388986-C-T. GRCh37 (hg19) VCF-style: chr14-23858195-C-T.
Other names: short protein forms E1350K.
Identifiers: ClinVar variation 519019 (VCV000519019.14), dbSNP rs756392451, ClinGen allele CA7114942.

ClinVar aggregate classification (germline): Uncertain significance. Review status: criteria provided, multiple submitters, no conflicts (2 of 4 stars). 3 submissions from 3 submitters: Uncertain significance (3). Last evaluated 2026-01-12.

Conditions:
Hypertrophic cardiomyopathy 14. Identifiers: MedGen C2750467, MONDO:0013197, OMIM 613251.
Cardiovascular phenotype. Identifiers: MedGen CN230736.

Allele frequency attached by ClinVar (database versions not stated): TOPMed below 0.00001; gnomAD exomes 0.00001 and 0.00002; ExAC 0.00002.
gnomAD v4.1: 35 of 1,613,644 alleles (0.0022%); highest among the groups gnomAD compares: East Asian, 0.013%; no homozygotes.

Submissions (3):

Labcorp Genetics (formerly Invitae), Labcorp
Classification: Uncertain significance for Hypertrophic cardiomyopathy 14. Last evaluated: 2026-01-12. Review status: criteria provided, single submitter. Criteria: Invitae Variant Classification Sherloc (09022015). Collection method: clinical testing. Allele origin: germline.
Comment: This sequence change replaces glutamic acid, which is acidic and polar, with lysine, which is basic and polar, at codon 1350 of the MYH6 protein (p.Glu1350Lys). This variant is present in population databases (rs756392451, gnomAD 0.01%). This missense change has been observed in individual(s) with clinical features of MYH6-related conditions (PMID: 35993536, 41165794). ClinVar contains an entry for this variant (Variation ID: 519019). Invitae Evidence Modeling of protein sequence and biophysical properties (such as structural, functional, and spatial information, amino acid conservation, physicochemical variation, residue mobility, and thermodynamic stability) indicates that this missense variant is not expected to disrupt MYH6 protein function with a negative predictive value of 80%. In summary, the available evidence is currently insufficient to determine the role of this variant in disease. Therefore, it has been classified as a Variant of Uncertain Significance.

Ambry Genetics
Classification: Uncertain significance for Cardiovascular phenotype. Last evaluated: 2025-06-30. Review status: criteria provided, single submitter. Criteria: Ambry Variant Classification Scheme 2023. Collection method: clinical testing. Allele origin: germline.
Comment: The p.E1350K variant (also known as c.4048G>A), located in coding exon 27 of the MYH6 gene, results from a G to A substitution at nucleotide position 4048. The glutamic acid at codon 1350 is replaced by lysine, an amino acid with similar properties. This amino acid position is highly conserved in available vertebrate species. In addition, this alteration is predicted to be deleterious by in silico analysis. Since supporting evidence is limited at this time, the clinical significance of this alteration remains unclear.

GeneDx
Classification: Uncertain significance. Last evaluated: 2021-11-23. Review status: criteria provided, single submitter. Criteria: GeneDx Variant Classification Process June 2021. Collection method: clinical testing. Allele origin: germline. Affected: yes.
Comment: Has not been previously published as pathogenic or benign to our knowledge; Not observed at significant frequency in large population cohorts (gnomAD); In silico analysis supports that this missense variant has a deleterious effect on protein structure/function; Reported in ClinVar as a variant of uncertain significance (ClinVar Variant ID# 519019; ClinVar); This variant is associated with the following publications: (PMID: 26582918)

Literature cited by the submitters: PubMed 35993536 (cited by Labcorp Genetics (formerly Invitae), Labcorp); PubMed 41165794 (cited by Labcorp Genetics (formerly Invitae), Labcorp).